The following is an entry in ClinVar:

ClinVar aggregate classification (germline): Likely benign (0 of 4 stars; one submission).

Conditions:
ITPR1-related disorder. Also called: ITPR1-related condition.

Allele frequency attached by ClinVar (database versions not stated): gnomAD exomes below 0.00001; TOPMed below 0.00001; ExAC 0.00002.
gnomAD v4.1: 3 of 1,544,472 alleles (0.00019%); highest among the groups gnomAD compares: Non-Finnish European, 0.00026%; no homozygotes.

Submission:

PreventionGenetics, part of Exact Sciences
Classification: Likely benign for ITPR1-related condition. Last evaluated: 2021-10-08. Review status: no assertion criteria provided. Collection method: clinical testing. Allele origin: germline.
Comment: This variant is classified as likely benign based on ACMG/AMP sequence variant interpretation guidelines (Richards et al. 2015 PMID: 25741868, with internal and published modifications).

NM_001378452.1(ITPR1):c.7273-6T>C

Gene: ITPR1 (inositol 1,4,5-trisphosphate receptor type 1; plus strand). Cytogenetic location: 3p26.1.
Variant type: single nucleotide variant.
Coding change: c.7273-6T>C on transcript NM_001378452.1 (MANE Select); 6 bases into the intron before coding-DNA position 7273, T replaced by C.
Molecular consequence: intron variant.
Genome position (GRCh38, 1-based): chr3:4,811,259, T>C. VCF-style: chr3-4811259-T-C. GRCh37 (hg19) VCF-style: chr3-4852943-T-C.
Other names: c.7129-6T>C (NM_001099952.4); c.7228-6T>C (NM_001168272.2); c.7084-6T>C (NM_002222.7).
Identifiers: ClinVar variation 3029668 (VCV003029668.2), dbSNP rs752544550, ClinGen allele CA2232825.